The following is an entry in ClinVar:

NM_004329.3(BMPR1A):c.1460G>A (p.Trp487Ter)

Gene: BMPR1A (bone morphogenetic protein receptor type 1A; plus strand). Cytogenetic location: 10q23.2.
Variant type: single nucleotide variant.
Coding change: c.1460G>A on transcript NM_004329.3 (MANE Select); coding-DNA position 1460, G replaced by A.
Protein change: p.Trp487Ter; replaces tryptophan 487 with a stop codon.
Molecular consequence: nonsense.
Genome position (GRCh38, 1-based): chr10:86,923,493, G>A. VCF-style: chr10-86923493-G-A. GRCh37 (hg19) VCF-style: chr10-88683250-G-A.
Other names: short protein forms W487*.
Identifiers: ClinVar variation 429096 (VCV000429096.3), dbSNP rs1131691175, ClinGen allele CA377463185.

ClinVar aggregate classification (germline): Pathogenic (1 of 4 stars; one submission).

Conditions:
Hereditary cancer-predisposing syndrome. Also called: Hereditary Cancer Syndrome; Neoplastic Syndromes, Hereditary; Hereditary neoplastic syndrome; Tumor predisposition. Identifiers: Orphanet 140162, MedGen C0027672, MeSH D009386, MONDO:0015356.

Submission:

Ambry Genetics
Classification: Pathogenic for Hereditary cancer-predisposing syndrome. Last evaluated: 2016-01-13. Review status: criteria provided, single submitter. Criteria: Ambry Autosomal Dominant and X-Linked criteria (10/2015). Collection method: clinical testing. Allele origin: germline. Observed: 1 variant allele.
Comment: The p.W487* pathogenic mutation (also known as c.1460G>A), located in coding exon 10 of the BMPR1A gene, results from a G to A substitution at nucleotide position 1460. This changes the amino acid from a tryptophan to a stop codon within coding exon 10. Since premature stop codons are typically deleterious in nature, this alteration is interpreted as a disease-causing mutation (ACMG Recommendations for Standards for Interpretation and Reporting of Sequence Variations. Revision 2007. Genet Med. 2008;10:294).